The following is an entry in ClinVar:

NM_032656.4(DHX37):c.533A>G (p.Glu178Gly)

Gene: DHX37 (DEAH-box helicase 37; minus strand). Cytogenetic location: 12q24.31.
Variant type: single nucleotide variant.
Coding change: c.533A>G on transcript NM_032656.4 (MANE Select); coding-DNA position 533, A replaced by G.
Protein change: p.Glu178Gly; replaces glutamic acid 178 with glycine.
Molecular consequence: missense variant.
Genome position (GRCh38, 1-based): chr12:124,980,695, T>C on the plus strand (A>G on the coding strand, the complement: DHX37 is on the minus strand). VCF-style: chr12-124980695-T-C. GRCh37 (hg19) VCF-style: chr12-125465241-T-C.
Other names: short protein forms E178G.
Identifiers: ClinVar variation 3653163 (VCV003653163.2).

ClinVar aggregate classification (germline): Uncertain significance (1 of 4 stars; one submission).

Submission:

Labcorp Genetics (formerly Invitae), Labcorp
Classification: Uncertain significance. Last evaluated: 2024-05-13. Review status: criteria provided, single submitter. Criteria: Invitae Variant Classification Sherloc (09022015). Collection method: clinical testing. Allele origin: germline.
Comment: This sequence change replaces glutamic acid, which is acidic and polar, with glycine, which is neutral and non-polar, at codon 178 of the DHX37 protein (p.Glu178Gly). This variant is not present in population databases (gnomAD no frequency). This variant has not been reported in the literature in individuals affected with DHX37-related conditions. Algorithms developed to predict the effect of missense changes on protein structure and function output the following: SIFT: "Not Available"; PolyPhen-2: "Benign"; Align-GVGD: "Not Available". The glycine amino acid residue is found in multiple mammalian species, which suggests that this missense change does not adversely affect protein function. In summary, the available evidence is currently insufficient to determine the role of this variant in disease. Therefore, it has been classified as a Variant of Uncertain Significance.